The following is an entry in ClinVar:

NM_018718.3(CEP41):c.477del (p.Glu160fs)

Gene: CEP41 (centrosomal protein 41; minus strand). Cytogenetic location: 7q32.2.
Variant type: Deletion.
Coding change: c.477del on transcript NM_018718.3 (MANE Select); coding-DNA position 477, one base deleted (A; older notation c.477delA).
Protein change: p.Glu160fs; shifts the reading frame from glutamic acid 160.
Molecular consequence: frameshift variant. On other transcripts: non-coding transcript variant (1).
Genome position (GRCh38, 1-based): chr7:130,402,745, T deleted on the plus strand (A on the coding strand, the reverse complement: CEP41 is on the minus strand). VCF-style (leftmost placement, unchanged base first): chr7-130402744-CT-C. GRCh37 (hg19) VCF-style: chr7-130042585-CT-C.
Other names: c.477del, p.Glu160fs (NM_001257158.2); c.429del, p.Glu144fs (NM_001257159.2); short protein forms E160fs, E144fs.
Identifiers: ClinVar variation 2131693 (VCV002131693.4), dbSNP rs2536060147, ClinGen allele CA2580077490.
Genomic context (GRCh38, chr7:130,402,744, plus strand): 5'-CACGCACATCTAGCAGCAGGAAGGGGCAGTCAGGATAAGGTTTGTCTTTGGTATGGGGCT[CT>C]GCTTTCTTCACTGGCCCTTTGTCTAGATCCAGTTCCCCAACACCACTGATGACACTGCAA-3'

ClinVar aggregate classification (germline): Pathogenic (1 of 4 stars; one submission).

Conditions:
Joubert syndrome 15 (JBTS15). Identifiers: Orphanet 475, MedGen C3280897, MONDO:0013763, OMIM 614464.

Submission:

Labcorp Genetics (formerly Invitae), Labcorp
Classification: Pathogenic for Joubert syndrome 15. Last evaluated: 2024-09-09. Review status: criteria provided, single submitter. Criteria: Invitae Variant Classification Sherloc (09022015). Collection method: clinical testing. Allele origin: germline.
Comment: This sequence change creates a premature translational stop signal (p.Glu160Serfs*17) in the CEP41 gene. It is expected to result in an absent or disrupted protein product. Loss-of-function variants in CEP41 are known to be pathogenic (PMID: 22246503). This variant is not present in population databases (gnomAD no frequency). This variant has not been reported in the literature in individuals affected with CEP41-related conditions. ClinVar contains an entry for this variant (Variation ID: 2131693). For these reasons, this variant has been classified as Pathogenic.

Literature cited by the submitters: PubMed 22246503.